The following is an entry in ClinVar:

NM_000089.4(COL1A2):c.898C>G (p.Pro300Ala)

Gene: COL1A2 (collagen type I alpha 2 chain; plus strand). Cytogenetic location: 7q21.3.
Variant type: single nucleotide variant.
Coding change: c.898C>G on transcript NM_000089.4 (MANE Select); coding-DNA position 898, C replaced by G.
Protein change: p.Pro300Ala; replaces proline 300 with alanine.
Molecular consequence: missense variant.
Genome position (GRCh38, 1-based): chr7:94,409,570, C>G. VCF-style: chr7-94409570-C-G. GRCh37 (hg19) VCF-style: chr7-94038882-C-G.
Other names: short protein forms P300A.
Identifiers: ClinVar variation 2662052 (VCV002662052.1), dbSNP rs2484707988, ClinGen allele CA368220741.

ClinVar aggregate classification (germline): Uncertain significance (1 of 4 stars; one submission).

Submission:

GeneDx
Classification: Uncertain significance. Last evaluated: 2023-04-05. Review status: criteria provided, single submitter. Criteria: GeneDx Variant Classification Process June 2021. Collection method: clinical testing. Allele origin: germline. Affected: yes.
Comment: Not observed at significant frequency in large population cohorts (gnomAD); In silico analysis supports that this missense variant has a deleterious effect on protein structure/function; Has not been previously published as pathogenic or benign to our knowledge